The following is an entry in ClinVar:

ClinVar aggregate classification (germline): Likely pathogenic. Review status: criteria provided, multiple submitters, no conflicts (2 of 4 stars). 3 submissions from 3 submitters: Likely pathogenic (3). Last evaluated 2022-04-19.

Conditions:
Bryant-Li-Bhoj neurodevelopmental syndrome 1 (BRYLIB1). Identifiers: MedGen C5676905, MONDO:0030606, OMIM 619720.
H3F3A-related disorder. Also called: H3F3A-related condition; H3F3A-related disorders.

Submissions (3):

Center for Human Genetics and Genomic Medicine, Uniklinik Rwth Aachen
Classification: Likely pathogenic for Bryant-Li-Bhoj neurodevelopmental syndrome 1. Last evaluated: 2022-04-19. Review status: criteria provided, single submitter. Criteria: ACMG Guidelines, 2015. Collection method: clinical testing. Allele origin: de novo. Inheritance: Autosomal dominant inheritance. Affected: yes. Observed: 1 heterozygote.
Comment: The detected change is not listed in control collectives (gnomAD, dbSNP) (as of April 19, 2022). Bioinformatically, it is classified as "probably disease-causing" (CADDphred 22.8). In the literature it has already been reported as pathogenic in a patient with global developmental delay and toe walking (designated there as p.N108S according to the traditional histone nomenclature) (Bryant et al., 2020). The variant is currently to be regarded as a "likely pathogenic variant" (ACMG criteria).

Blueprint Genetics
Classification: Likely pathogenic for H3F3A-related disorders. Last evaluated: 2022-02-15. Review status: criteria provided, single submitter. Criteria: ACMG Guidelines, 2015. Collection method: clinical testing. Allele origin: germline. Affected: yes. Observed: 1 variant allele.

Ambry Genetics
Classification: Likely pathogenic. Last evaluated: 2022-02-11. Review status: criteria provided, single submitter. Criteria: Ambry Variant Classification Scheme 2023. Collection method: clinical testing. Allele origin: germline.
Comment: The c.326A>G (p.N109S) alteration is located in exon 4 (coding exon 3) of the H3F3A gene. This alteration results from an A to G substitution at nucleotide position 326, causing the asparagine (N) at amino acid position 109 to be replaced by a serine (S). This variant was not reported in population-based cohorts in the Genome Aggregation Database (gnomAD). This amino acid position is highly conserved in available vertebrate species. This alteration is predicted to be tolerated by in silico analysis. Based on the available evidence, this alteration is classified as likely pathogenic.

Literature cited by the submitters: PubMed 33268356 (cited by Ambry Genetics).

NM_002107.7(H3-3A):c.326A>G (p.Asn109Ser)

Gene: H3-3A (H3.3 histone A; plus strand). Cytogenetic location: 1q42.12.
Variant type: single nucleotide variant.
Coding change: c.326A>G on transcript NM_002107.7 (MANE Select); coding-DNA position 326, A replaced by G.
Protein change: p.Asn109Ser; replaces asparagine 109 with serine.
Molecular consequence: missense variant.
Genome position (GRCh38, 1-based): chr1:226,071,394, A>G. VCF-style: chr1-226071394-A-G. GRCh37 (hg19) VCF-style: chr1-226259095-A-G.
Other names: c.326A>G, p.Asn109Ser (NM_001379043.1, NM_001379045.1, NM_001379046.1 and 1 more transcripts); short protein forms N109S.
Identifiers: ClinVar variation 985263 (VCV000985263.6), dbSNP rs1658118461, ClinGen allele CA345020834.